The following is an entry in ClinVar:

ClinVar aggregate classification (germline): Likely benign (1 of 4 stars; one submission).

gnomAD v4.1: 1,047 of 1,612,776 alleles (0.065%); highest among the groups gnomAD compares: African/African-American, 1.3%; 8 homozygotes.

Submission:

CeGaT Center for Human Genetics Tuebingen
Classification: Likely benign. Last evaluated: 2026-05-01. Review status: criteria provided, single submitter. Criteria: CeGaT Center For Human Genetics Tuebingen Variant Classification Criteria Version 2. Collection method: clinical testing. Allele origin: germline. Affected: yes. Observed: 1 variant allele.
Comment: PIGF: BP4, BP7, BS1

NM_002643.4(PIGF):c.546+4319C>T

Gene: PIGF (phosphatidylinositol glycan anchor biosynthesis class F; minus strand). Cytogenetic location: 2p21.
Variant type: single nucleotide variant.
Coding change: c.546+4319C>T on transcript NM_002643.4 (MANE Select); 4319 bases into the intron after coding-DNA position 546, C replaced by T.
Molecular consequence: intron variant. On other transcripts: synonymous variant (1).
Genome position (GRCh38, 1-based): chr2:46,588,156, G>A on the plus strand (C>T on the coding strand, the complement: PIGF is on the minus strand). VCF-style: chr2-46588156-G-A. GRCh37 (hg19) VCF-style: chr2-46815295-G-A.
Other names: c.570C>T, p.Ser190= (NM_173074.3).
Identifiers: ClinVar variation 4872407 (VCV004872407.2).